The following is an entry in ClinVar:

NM_001085458.2(CTNND1):c.2737del (p.His913fs)

Genes: CTNND1 (catenin delta 1; plus strand), TMX2-CTNND1 (TMX2-CTNND1 readthrough (NMD candidate); plus strand). Cytogenetic location: 11q12.1.
Variant type: Deletion.
Coding change: c.2737del on transcript NM_001085458.2 (MANE Select); coding-DNA position 2737, one base deleted (C; older notation c.2737delC).
Protein change: p.His913fs; shifts the reading frame from histidine 913.
Molecular consequence: frameshift variant. On other transcripts: non-coding transcript variant (1).
Genome position (GRCh38, 1-based): chr11:57,815,429, C deleted; the last of 2 consecutive C bases (chr11:57,815,428-57,815,429); deleting either gives the same sequence. VCF-style (leftmost placement, unchanged base first): chr11-57815427-AC-A. GRCh37 (hg19) VCF-style: chr11-57582899-AC-A.
Other names: c.2719del, p.His907fs (NM_001085459.2, NM_001085460.2, NM_001085461.2 and 1 more transcripts); c.2434del, p.His812fs (NM_001085463.2, NM_001085466.2); c.2416del, p.His806fs (NM_001085464.2, NM_001085467.2, NM_001085468.2 and 2 more transcripts); c.2353del, p.His785fs (NM_001085465.2); c.2575del, p.His859fs (NM_001206883.2, NM_001206884.2); c.2737del, p.His913fs (NM_001206885.2); c.2557del, p.His853fs (NM_001206886.2, NM_001206888.2, NM_001206889.2 and 1 more transcripts); c.2494del, p.His832fs (NM_001206887.2); and 1 more; short protein forms H785fs, H806fs, H812fs, H832fs, H853fs, H859fs, H886fs, H907fs.
Identifiers: ClinVar variation 3775408 (VCV003775408.1).

ClinVar aggregate classification (germline): Likely pathogenic (1 of 4 stars; one submission).

Conditions:
Blepharocheilodontic syndrome 2 (BCDS2). Identifiers: MedGen C4540127, MONDO:0040503, OMIM 617681.

Submission:

3billion
Classification: Likely pathogenic for Blepharocheilodontic syndrome 2. Last evaluated: 2023-12-21. Review status: criteria provided, single submitter. Criteria: ACMG Guidelines, 2015. Collection method: clinical testing. Allele origin: germline. Affected: yes.
Comment: The variant is not observed in the gnomAD v2.1.1 dataset. Predicted Consequence/Location: Frameshift: predicted to result in a loss or disruption of normal protein function through nonsense-mediated decay (NMD) or protein truncation. Multiple pathogenic variants are reported downstream of the variant. Therefore, this variant is classified as Likely pathogenic according to the recommendation of ACMG/AMP guideline.